The following is an entry in ClinVar:

NM_000551.4(VHL):c.489C>G (p.Leu163=)

Genes: VHL (von Hippel-Lindau tumor suppressor; plus strand), LOC107303340 (3p25 von Hippel-Lindau tumor suppressor, E3 ubiquitin protein ligase Alu-mediated recombination region; plus strand). Cytogenetic location: 3p25.3.
Variant type: single nucleotide variant.
Coding change: c.489C>G on transcript NM_000551.4 (MANE Select); coding-DNA position 489, C replaced by G.
Protein change: p.Leu163=; no amino-acid change (leucine 163 retained).
Molecular consequence: synonymous variant. On other transcripts: 3 prime UTR variant (1).
Genome position (GRCh38, 1-based): chr3:10,149,812, C>G. VCF-style: chr3-10149812-C-G. GRCh37 (hg19) VCF-style: chr3-10191496-C-G.
Other names: c.*43C>G (NM_001354723.2); c.366C>G, p.Leu122= (NM_198156.3).
Identifiers: ClinVar variation 755436 (VCV000755436.15), dbSNP rs1575932067, ClinGen allele CA432423195.

ClinVar aggregate classification (germline): Benign/Likely benign. Review status: criteria provided, multiple submitters, no conflicts (2 of 4 stars). 5 submissions from 5 submitters: Benign (1); Likely benign (4). Last evaluated 2025-10-19.

Conditions:
Chuvash polycythemia. Also called: POLYCYTHEMIA, VHL-DEPENDENT. Identifiers: Orphanet 238557, MedGen C1837915, MONDO:0009892, OMIM 263400.
Von Hippel-Lindau syndrome (VHLS). Also called: VHL syndrome; Von Hippel-Lindau; von Hippel–Lindau syndrome. Identifiers: Orphanet 892, MedGen C0019562, MONDO:0008667, OMIM 193300. Disease mechanism: loss of function.
Hereditary cancer-predisposing syndrome. Also called: Tumor predisposition; Hereditary Cancer Syndrome; Neoplastic Syndromes, Hereditary; Hereditary neoplastic syndrome. Identifiers: Orphanet 140162, MedGen C0027672, MeSH D009386, MONDO:0015356.

gnomAD v4.1: 1 of 1,614,174 alleles (0.000062%); no homozygotes.

Submissions (5):

Labcorp Genetics (formerly Invitae), Labcorp
Classification: Likely benign for Von Hippel-Lindau syndrome; Chuvash polycythemia. Last evaluated: 2025-10-19. Review status: criteria provided, single submitter. Criteria: Invitae Variant Classification Sherloc (09022015). Collection method: clinical testing. Allele origin: germline.

Color Diagnostics, LLC DBA Color Health
Classification: Likely benign for Von Hippel-Lindau syndrome. Last evaluated: 2025-10-05. Review status: criteria provided, single submitter. Criteria: ACMG Guidelines, 2015. Collection method: clinical testing. Allele origin: germline.

Myriad Genetics, Inc.
Classification: Benign for Von Hippel-Lindau syndrome. Last evaluated: 2025-06-12. Review status: criteria provided, single submitter. Criteria: Myriad Autosomal Dominant, Autosomal Recessive and X-Linked Classification Criteria (2023). Collection method: clinical testing. Allele origin: unknown.
Comment: This variant is considered benign. This variant is a silent/synonymous amino acid change and it is not expected to impact splicing.

Ambry Genetics
Classification: Likely benign for Hereditary cancer-predisposing syndrome. Last evaluated: 2023-04-09. Review status: criteria provided, single submitter. Criteria: Ambry Variant Classification Scheme 2023. Collection method: clinical testing. Allele origin: germline.

Sema4
Classification: Likely benign for Hereditary cancer-predisposing syndrome. Last evaluated: 2021-03-15. Review status: criteria provided, single submitter. Criteria: Sema4 Curation Guidelines. Collection method: curation. Allele origin: germline.